The following is an entry in ClinVar:

NM_001367624.2(ZNF469):c.7916G>A (p.Arg2639Lys)

Gene: ZNF469 (zinc finger protein 469; plus strand). Cytogenetic location: 16q24.2.
Variant type: single nucleotide variant.
Coding change: c.7916G>A on transcript NM_001367624.2 (MANE Select); coding-DNA position 7916, G replaced by A.
Protein change: p.Arg2639Lys; replaces arginine 2639 with lysine.
Molecular consequence: missense variant.
Genome position (GRCh38, 1-based): chr16:88,435,386, G>A. VCF-style: chr16-88435386-G-A. GRCh37 (hg19) VCF-style: chr16-88501794-G-A.
Other names: short protein forms R2639K.
Identifiers: ClinVar variation 3628171 (VCV003628171.2).

ClinVar aggregate classification (germline): Uncertain significance (1 of 4 stars; one submission).

Submission:

Labcorp Genetics (formerly Invitae), Labcorp
Classification: Uncertain significance. Last evaluated: 2024-11-12. Review status: criteria provided, single submitter. Criteria: Invitae Variant Classification Sherloc (09022015). Collection method: clinical testing. Allele origin: germline.
Comment: This sequence change replaces arginine, which is basic and polar, with lysine, which is basic and polar, at codon 2611 of the ZNF469 protein (p.Arg2611Lys). This variant is not present in population databases (gnomAD no frequency). This variant has not been reported in the literature in individuals affected with ZNF469-related conditions. An algorithm developed to predict the effect of missense changes on protein structure and function (PolyPhen-2) suggests that this variant is likely to be tolerated. In summary, the available evidence is currently insufficient to determine the role of this variant in disease. Therefore, it has been classified as a Variant of Uncertain Significance.